The following is an entry in ClinVar:

NM_170606.3(KMT2C):c.7443-2dup

Gene: KMT2C (lysine methyltransferase 2C; minus strand). Cytogenetic location: 7q36.1.
Variant type: Duplication.
Coding change: c.7443-2dup on transcript NM_170606.3 (MANE Select); the canonical splice acceptor site of the intron before coding-DNA position 7443, one base duplicated (A; older notation c.7443-2dupA).
Molecular consequence: splice acceptor variant.
Genome position (GRCh38, 1-based): chr7:152,178,012, T duplicated on the plus strand (A on the coding strand, the reverse complement: KMT2C is on the minus strand); the first of 4 consecutive T bases (chr7:152,178,012-152,178,015); duplicating any one gives the same sequence. VCF-style (leftmost placement, unchanged base first): chr7-152178011-C-CT. GRCh37 (hg19) VCF-style: chr7-151875096-C-CT.
Identifiers: ClinVar variation 1669978 (VCV001669978.33), dbSNP rs753425356, ClinGen allele CA4579826.

ClinVar aggregate classification (germline): Benign. Review status: criteria provided, multiple submitters, no conflicts (2 of 4 stars). 3 submissions from 3 submitters: Benign (3). Last evaluated 2026-03-01.

Submissions (3):

CeGaT Center for Human Genetics Tuebingen
Classification: Benign. Last evaluated: 2026-03-01. Review status: criteria provided, single submitter. Criteria: CeGaT Center For Human Genetics Tuebingen Variant Classification Criteria Version 2. Collection method: clinical testing. Allele origin: germline. Affected: yes. Observed: 4 variant alleles.
Comment: KMT2C: BS1, BS2

Labcorp Genetics (formerly Invitae), Labcorp
Classification: Benign. Last evaluated: 2026-01-25. Review status: criteria provided, single submitter. Criteria: Invitae Variant Classification Sherloc (09022015). Collection method: clinical testing. Allele origin: germline.

Laboratory of Genetics, Children's Clinical University Hospital Latvia
Classification: Benign. Last evaluated: 2025-02-16. Review status: criteria provided, single submitter. Criteria: ACMG Guidelines, 2015. Collection method: clinical testing. Allele origin: germline. Affected: yes.